The following is an entry in ClinVar:

ClinVar aggregate classification (germline): Conflicting classifications of pathogenicity. Review status: criteria provided, conflicting classifications (1 of 4 stars). 6 submissions from 6 submitters: Uncertain significance (4); Likely benign (1). 1 of the submissions does not count toward it. Last evaluated 2025-11-18.

Conditions:
Oto-palato-digital syndrome, type II (OPD2). Also called: FACIOPALATOOSSEOUS SYNDROME; Otopalatodigital Syndrome Type 2 (FLNA-OPD2); OPD II SYNDROME; Otopalatodigital Syndrome, Type II. Identifiers: Orphanet 669, Orphanet 90652, MedGen C1844696, MONDO:0010571, OMIM 304120.
Frontometaphyseal dysplasia (FMD1). Identifiers: Orphanet 1826, MedGen C0265293, MONDO:0015942.
Melnick-Needles syndrome (MNS). Also called: Melnick-Needles Syndrome (FLNA-MNS); MELNICK-NEEDLES OSTEODYSPLASTY; OSTEODYSPLASTY OF MELNICK AND NEEDLES. Identifiers: Orphanet 2484, MedGen C0025237, MONDO:0010650, OMIM 309350.
Heterotopia, periventricular, X-linked dominant (PVNH1). Also called: PERIVENTRICULAR NODULAR HETEROTOPIA 1; X-linked periventricular heterotopia; PERIVENTRICULAR NODULAR HETEROTOPIA 4; HETEROTOPIA, PERIVENTRICULAR, 1. Identifiers: Orphanet 2149, Orphanet 82004, MedGen C1848213, MONDO:0010233, OMIM 300049.
Wolff-Parkinson-White pattern. Also called: WPW SYNDROME; Auriculoventricular accessory pathway syndrome; False bundle branch block syndrome; Anomalous ventricular excitation syndrome. Identifiers: MedGen C0043202, MONDO:0008685, OMIM 194200, HP:0001716.
Familial thoracic aortic aneurysm and aortic dissection (TAAD). Also called: Thoracic aortic aneurysms and dissections. Identifiers: Orphanet 91387, MedGen C4707243, MONDO:0019625.

Allele frequency attached by ClinVar (database versions not stated): gnomAD 0.00001 and 0.00002; gnomAD exomes 0.00002 and 0.00008; TOPMed 0.00003.
gnomAD v4.1: 89 of 1,210,682 alleles (0.0074%); highest among the groups gnomAD compares: Non-Finnish European, 0.0096%; no homozygotes.

Submissions (6):

Labcorp Genetics (formerly Invitae), Labcorp
Classification: Likely benign for Oto-palato-digital syndrome, type II; Heterotopia, periventricular, X-linked dominant; Frontometaphyseal dysplasia; Melnick-Needles syndrome. Last evaluated: 2025-11-18. Review status: criteria provided, single submitter. Criteria: Invitae Variant Classification Sherloc (09022015). Collection method: clinical testing. Allele origin: germline.

Ambry Genetics
Classification: Uncertain significance for Familial thoracic aortic aneurysm and aortic dissection. Last evaluated: 2025-03-26. Review status: criteria provided, single submitter. Criteria: Ambry Variant Classification Scheme 2023. Collection method: clinical testing. Allele origin: germline.
Comment: The p.V2082L variant (also known as c.6244G>C), located in coding exon 37 of the FLNA gene, results from a G to C substitution at nucleotide position 6244. The valine at codon 2082 is replaced by leucine, an amino acid with highly similar properties. This variant has been reported in a Wolff-Parkinson-White cohort (Coban-Akdemir ZH et al. Am J Med Genet A, 2020 Jun;182:1387-1399). This amino acid position is highly conserved in available vertebrate species. In addition, this alteration is predicted to be deleterious by in silico analysis. Based on data from gnomAD, the C allele has an overall frequency of <0.01% (3/181661) total alleles studied, with 0 hemizygote(s) observed. The highest observed frequency was <0.01% (3/81430) of European (non-Finnish) alleles. Based on the available evidence, the clinical significance of this variant remains unclear.

GeneDx
Classification: Uncertain significance. Last evaluated: 2023-03-31. Review status: criteria provided, single submitter. Criteria: GeneDx Variant Classification Process June 2021. Collection method: clinical testing. Allele origin: germline. Affected: yes.
Comment: Has not been previously published as pathogenic or benign to our knowledge; Not observed at significant frequency in large population cohorts (gnomAD); In silico analysis supports that this missense variant does not alter protein structure/function

Blueprint Genetics
Classification: Uncertain significance. Last evaluated: 2022-08-01. Review status: criteria provided, single submitter. Criteria: ACMG Guidelines, 2015. Collection method: clinical testing. Allele origin: germline.

Victorian Clinical Genetics Services, Murdoch Childrens Research Institute
Classification: Uncertain significance for Heterotopia, periventricular, X-linked dominant. Last evaluated: 2020-05-21. Review status: criteria provided, single submitter. Criteria: ACMG Guidelines, 2015. Collection method: clinical testing. Allele origin: germline. Inheritance: X-linked inheritance.
Comment: Based on the classification scheme VCGS_Germline_v1.1.1, this variant is classified as VOUS. Following criteria are met: 0103 - Both loss- and gain-of-function are known mechanisms of disease for this gene (Cannaerts, E. et al. (2018)). (N) 0109 - This gene is known to be associated with X-linked recessive disease. (N) 0110 - This gene is known to be associated with X-linked dominant disease. (N) 0112 - Variants in this gene are known to have reduced penetrance (Cannaerts, E. et al. (2018)). (N) 0200 - Variant is predicted to result in a missense amino acid change from valine to leucine (exon 39). (N) 0253 - Variant is hemizygous. (N) 0304 - Variant is present in gnomAD <0.01 for a recessive condition (3 heterozygotes, 0 homozygote, 0 hemizygote). (P) 0502 - Missense variant with conflicting in-silico predictions and/or uninformative conservation (MutationAssessor, FATHMM, PolyPhen2, PROVEAN, UCSC). (N) 0600 - Variant is located in an annotated domain or motif (Filamin/ABP280 repeat domain; PDB) (N) 0705 - No comparable variants have previous evidence for pathogenicity. (N) 0804 - Variant has previously been described as variant of uncertain significance (ClinVar). (N) 0905 - No segregation evidence has been identified for this variant. (N) 1007 - No published functional evidence has been identified for this variant. (N) Legend: (P) - Pathogenic, (N) - Neutral, (B) - Benign

Lupski Lab, Baylor-Hopkins CMG, Baylor College of Medicine
Classification: Uncertain significance for Wolff-Parkinson-White pattern. Last evaluated: 2017-07-14. Review status: no assertion criteria provided. Collection method: research. Allele origin: inherited. Affected: yes. Observed: 1 variant allele. Study: Candidate_variants_in_patients_with_ Wolff-Parkinson-White Syndrome. Not counted in ClinVar's aggregate classification.

Literature cited by the submitters: PubMed 32233023 (cited by Ambry Genetics).

NM_001110556.2(FLNA):c.6268G>C (p.Val2090Leu)

Gene: FLNA (filamin A; minus strand). Cytogenetic location: Xq28.
Variant type: single nucleotide variant.
Coding change: c.6268G>C on transcript NM_001110556.2 (MANE Select); coding-DNA position 6268, G replaced by C.
Protein change: p.Val2090Leu; replaces valine 2090 with leucine.
Molecular consequence: missense variant.
Genome position (GRCh38, 1-based): chrX:154,352,883, C>G on the plus strand (G>C on the coding strand, the complement: FLNA is on the minus strand). VCF-style: chrX-154352883-C-G. GRCh37 (hg19) VCF-style: chrX-153581251-C-G.
Other names: c.6244G>C, p.Val2082Leu (NM_001456.4); c.6268G>C (NM_001110556.1); short protein forms V2082L, V2090L.
Identifiers: ClinVar variation 465010 (VCV000465010.12), dbSNP rs968230475, ClinGen allele CA337274985.